The following is an entry in ClinVar:

ClinVar aggregate classification (germline): Likely benign (0 of 4 stars; one submission).

Conditions:
NOS2-related disorder. Also called: NOS2-related condition.

Allele frequency attached by ClinVar (database versions not stated): ESP Exome Variant Server 0.00008; TOPMed 0.00008; gnomAD exomes 0.00010; gnomAD 0.00011; 1000 Genomes Project 30x 0.00016; 1000 Genomes Project 0.00020; ExAC 0.00022.
gnomAD v4.1: 177 of 1,612,674 alleles (0.011%); highest among the groups gnomAD compares: Middle Eastern, 0.049%; no homozygotes.

Submission:

PreventionGenetics, part of Exact Sciences
Classification: Likely benign for NOS2-related condition. Last evaluated: 2019-03-25. Review status: no assertion criteria provided. Collection method: clinical testing. Allele origin: germline.
Comment: This variant is classified as likely benign based on ACMG/AMP sequence variant interpretation guidelines (Richards et al. 2015 PMID: 25741868, with internal and published modifications).

NM_000625.4(NOS2):c.1905C>T (p.Cys635=)

Gene: NOS2 (nitric oxide synthase 2; minus strand). Cytogenetic location: 17q11.2.
Variant type: single nucleotide variant.
Coding change: c.1905C>T on transcript NM_000625.4 (MANE Select); coding-DNA position 1905, C replaced by T.
Protein change: p.Cys635=; no amino-acid change (cysteine 635 retained).
Molecular consequence: synonymous variant.
Genome position (GRCh38, 1-based): chr17:27,769,106, G>A on the plus strand (C>T on the coding strand, the complement: NOS2 is on the minus strand). VCF-style: chr17-27769106-G-A. GRCh37 (hg19) VCF-style: chr17-26096132-G-A.
Identifiers: ClinVar variation 3046531 (VCV003046531.2), dbSNP rs202098132, ClinGen allele CA8454572.
Genomic context (GRCh38, chr17:27,769,106, plus strand): 5'-CGGGGTGAGCTGAGAGGCCCCCAGGTGGGACAGCTTCTGATCAATGTCATGAGCAAAGGC[G>A]CAGAACCGAGGGTACATGCTGGAGCCGAGGCCAAACACAGCGTACCTGCCCGAGGACACA-3'
Protein context (NP_000616.3, residues 625-645): GLGSSMYPRF[Cys635=]AFAHDIDQKL